The following is an entry in ClinVar:

ClinVar aggregate classification (germline): Uncertain significance (1 of 4 stars; one submission).

Conditions:
Isolated microphthalmia 5. Also called: Posterior Microphthalmia with Retinitis Pigmentosa, Foveoschisis, and Optic Disc Drusen. Identifiers: Orphanet 251279, MedGen C1970236, MONDO:0012605, OMIM 611040.

Allele frequency attached by ClinVar (database versions not stated): ExAC 0.00002.
gnomAD v4.1: 4 of 1,613,490 alleles (0.00025%); highest among the groups gnomAD compares: Non-Finnish European, 0.00025%; no homozygotes.

Submission:

Labcorp Genetics (formerly Invitae), Labcorp
Classification: Uncertain significance for Isolated microphthalmia 5. Last evaluated: 2023-12-13. Review status: criteria provided, single submitter. Criteria: Invitae Variant Classification Sherloc (09022015). Collection method: clinical testing. Allele origin: germline.
Comment: This sequence change replaces cysteine, which is neutral and slightly polar, with tryptophan, which is neutral and slightly polar, at codon 454 of the MFRP protein (p.Cys454Trp). This variant is present in population databases (rs778370220, gnomAD 0.003%). This variant has not been reported in the literature in individuals affected with MFRP-related conditions. Advanced modeling of protein sequence and biophysical properties (such as structural, functional, and spatial information, amino acid conservation, physicochemical variation, residue mobility, and thermodynamic stability) performed at Invitae indicates that this missense variant is expected to disrupt MFRP protein function with a positive predictive value of 80%. In summary, the available evidence is currently insufficient to determine the role of this variant in disease. Therefore, it has been classified as a Variant of Uncertain Significance.

NM_031433.4(MFRP):c.1362C>G (p.Cys454Trp)

Genes: C1QTNF5 (C1q and TNF related 5; minus strand), MFRP (membrane frizzled-related protein; minus strand). Cytogenetic location: 11q23.3.
Variant type: single nucleotide variant.
Coding change: c.1362C>G on transcript NM_031433.4 (MANE Select); coding-DNA position 1362, C replaced by G.
Protein change: p.Cys454Trp; replaces cysteine 454 with tryptophan.
Molecular consequence: missense variant. On other transcripts: 5 prime UTR variant (1).
Genome position (GRCh38, 1-based): chr11:119,342,621, G>C on the plus strand (C>G on the coding strand, the complement: MFRP is on the minus strand). VCF-style: chr11-119342621-G-C. GRCh37 (hg19) VCF-style: chr11-119213331-G-C.
Other names: c.-1275C>G (NM_015645.5); short protein forms C454W.
Identifiers: ClinVar variation 3016573 (VCV003016573.3), dbSNP rs778370220, ClinGen allele CA6320139.